The following is an entry in ClinVar:

NM_018136.5(ASPM):c.8392dup (p.Tyr2798fs)

Gene: ASPM (assembly factor for spindle microtubules; minus strand). Cytogenetic location: 1q31.3.
Variant type: Duplication.
Coding change: c.8392dup on transcript NM_018136.5 (MANE Select); coding-DNA position 8392, one base duplicated (T; older notation c.8392dupT).
Protein change: p.Tyr2798fs; shifts the reading frame from tyrosine 2798.
Molecular consequence: frameshift variant. On other transcripts: intron variant (1).
Genome position (GRCh38, 1-based): chr1:197,100,859, A duplicated on the plus strand (T on the coding strand, the reverse complement: ASPM is on the minus strand). VCF-style (leftmost placement, unchanged base first): chr1-197100858-T-TA. GRCh37 (hg19) VCF-style: chr1-197069988-T-TA.
Other names: c.4066-4695dup (NM_001206846.2); short protein forms Y2798fs.
Identifiers: ClinVar variation 3653929 (VCV003653929.2).
Genomic context (GRCh38, chr1:197,100,858, plus strand): 5'-GCAGCCCTACTTTGAGAATGATACTCTGCTTCCTGTGAACAAGCAAGGCCAGAAGCTTTA[T>TA]ACCACTCTTGAATCATAACACCTTCACTTTGAACAGCTTCATACTGAGTTTTACTTCTGT-3'

ClinVar aggregate classification (germline): Pathogenic (1 of 4 stars; one submission).

Submission:

Labcorp Genetics (formerly Invitae), Labcorp
Classification: Pathogenic. Last evaluated: 2024-06-16. Review status: criteria provided, single submitter. Criteria: Invitae Variant Classification Sherloc (09022015). Collection method: clinical testing. Allele origin: germline.
Comment: This sequence change creates a premature translational stop signal (p.Tyr2798Leufs*2) in the ASPM gene. It is expected to result in an absent or disrupted protein product. Loss-of-function variants in ASPM are known to be pathogenic (PMID: 19028728, 23611254). This variant is not present in population databases (gnomAD no frequency). This variant has not been reported in the literature in individuals affected with ASPM-related conditions. For these reasons, this variant has been classified as Pathogenic.

Literature cited by the submitters: PubMed 19028728; PubMed 23611254.